The following is an entry in ClinVar:

ClinVar aggregate classification (germline): Pathogenic/Likely pathogenic. Review status: criteria provided, multiple submitters, no conflicts (2 of 4 stars). 6 submissions from 6 submitters: Pathogenic (1); Likely pathogenic (1). 4 of the submissions do not count toward it. Last evaluated 2024-06-19.

Conditions:
Nemaline myopathy 5 (NEM5A). Also called: NEMALINE MYOPATHY 5A, AUTOSOMAL RECESSIVE, SEVERE INFANTILE; Nemaline myopathy 5, Amish type; NEMALINE MYOPATHY, AMISH TYPE. Identifiers: Orphanet 98902, MedGen C1854380, MONDO:0011539, OMIM 605355.

Allele frequency attached by ClinVar (database versions not stated): gnomAD 0.00001; TOPMed 0.00001; gnomAD exomes 0.00002; ESP Exome Variant Server 0.00008.
gnomAD v4.1: 13 of 1,613,576 alleles (0.00081%); highest among the groups gnomAD compares: Non-Finnish European, 0.0011%; no homozygotes.

Submissions (6):

Labcorp Genetics (formerly Invitae), Labcorp
Classification: Likely pathogenic for Nemaline myopathy 5. Last evaluated: 2024-06-19. Review status: criteria provided, single submitter. Criteria: Invitae Variant Classification Sherloc (09022015). Collection method: clinical testing. Allele origin: germline.
Comment: This sequence change affects a donor splice site in intron 8 of the TNNT1 gene. It is expected to disrupt RNA splicing. Variants that disrupt the donor or acceptor splice site typically lead to a loss of protein function (PMID: 16199547), and loss-of-function variants in TNNT1 are known to be pathogenic (PMID: 10952871, 24689076, 25430424). This variant is present in population databases (rs149559898, gnomAD 0.003%). Disruption of this splice site has been observed in individual(s) with nemaline myopathy (PMID: 24689076). In at least one individual the data is consistent with being in trans (on the opposite chromosome) from a pathogenic variant. ClinVar contains an entry for this variant (Variation ID: 1175063). Algorithms developed to predict the effect of sequence changes on RNA splicing suggest that this variant may disrupt the consensus splice site. For these reasons, this variant has been classified as Pathogenic.

Revvity Omics, Revvity
Classification: Pathogenic. Last evaluated: 2024-02-08. Review status: criteria provided, single submitter. Criteria: ACMG Guidelines, 2015. Collection method: clinical testing. Allele origin: germline.

OMIM
Classification: Pathogenic for NEMALINE MYOPATHY 5A, AUTOSOMAL RECESSIVE, SEVERE INFANTILE. Last evaluated: 2023-05-31. Review status: no assertion criteria provided. Collection method: literature only. Allele origin: germline. Not counted in ClinVar's aggregate classification.

Diagnostic Laboratory, Department of Genetics, University Medical Center Groningen
Classification: Pathogenic. Review status: no assertion criteria provided. Collection method: clinical testing. Allele origin: germline. Affected: yes. Study: VKGL Data-share Consensus. Not counted in ClinVar's aggregate classification.

Genome Diagnostics Laboratory, University Medical Center Utrecht
Classification: Pathogenic. Review status: no assertion criteria provided. Collection method: clinical testing. Allele origin: germline. Affected: yes. Study: VKGL Data-share Consensus. Not counted in ClinVar's aggregate classification.

Joint Genome Diagnostic Labs from Nijmegen and Maastricht, Radboudumc and MUMC+
Classification: Pathogenic. Review status: no assertion criteria provided. Collection method: clinical testing. Allele origin: germline. Affected: yes. Study: VKGL Data-share Consensus. Not counted in ClinVar's aggregate classification.

Literature cited by the submitters: PubMed 16199547 (cited by Labcorp Genetics (formerly Invitae), Labcorp); PubMed 10952871 (cited by Labcorp Genetics (formerly Invitae), Labcorp); PubMed 24689076 (cited by Labcorp Genetics (formerly Invitae), Labcorp and OMIM); PubMed 25430424 (cited by Labcorp Genetics (formerly Invitae), Labcorp).

NM_003283.6(TNNT1):c.309+1G>A

Gene: TNNT1 (troponin T1, slow skeletal type; minus strand). Cytogenetic location: 19q13.42.
Variant type: single nucleotide variant.
Coding change: c.309+1G>A on transcript NM_003283.6 (MANE Select); the canonical splice donor site of the intron after coding-DNA position 309, G replaced by A.
Molecular consequence: splice donor variant.
Genome position (GRCh38, 1-based): chr19:55,141,185, C>T on the plus strand (G>A on the coding strand, the complement: TNNT1 is on the minus strand). VCF-style: chr19-55141185-C-T. GRCh37 (hg19) VCF-style: chr19-55652553-C-T.
Other names: IVS8DS, G-A, +1; c.276+1G>A (NM_001126133.3, NM_001291774.2); c.309+1G>A (NM_001126132.3).
Identifiers: ClinVar variation 1175063 (VCV001175063.10), dbSNP rs149559898, ClinGen allele CA310134995.